The following is an entry in ClinVar:

NM_002617.4(PEX10):c.751C>A (p.Leu251Met)

Gene: PEX10 (peroxisomal biogenesis factor 10; minus strand). Cytogenetic location: 1p36.32.
Variant type: single nucleotide variant.
Coding change: c.751C>A on transcript NM_002617.4 (MANE Select); coding-DNA position 751, C replaced by A.
Protein change: p.Leu251Met; replaces leucine 251 with methionine.
Molecular consequence: missense variant. On other transcripts: non-coding transcript variant (1).
Genome position (GRCh38, 1-based): chr1:2,406,745, G>T on the plus strand (C>A on the coding strand, the complement: PEX10 is on the minus strand). VCF-style: chr1-2406745-G-T. GRCh37 (hg19) VCF-style: chr1-2338184-G-T.
Other names: c.808C>A, p.Leu270Met (NM_001374425.1); c.376C>A, p.Leu126Met (NM_001374426.1); c.319C>A, p.Leu107Met (NM_001374427.1); c.811C>A, p.Leu271Met (NM_153818.2); short protein forms L107M, L271M, L126M, L251M, L270M.
Identifiers: ClinVar variation 1504821 (VCV001504821.4), dbSNP rs1355235678, ClinGen allele CA337985081.

ClinVar aggregate classification (germline): Uncertain significance (1 of 4 stars; one submission).

Conditions:
Peroxisome biogenesis disorder, complementation group 7 (CG7). Also called: Peroxisome biogenesis disorder, complementation group B. Identifiers: MedGen C1864399.

Allele frequency attached by ClinVar (database versions not stated): gnomAD exomes 0.00001.
gnomAD v4.1: 6 of 1,609,212 alleles (0.00037%); highest among the groups gnomAD compares: Non-Finnish European, 0.00034%; no homozygotes.

Submission:

Labcorp Genetics (formerly Invitae), Labcorp
Classification: Uncertain significance for Peroxisome biogenesis disorder, complementation group 7. Last evaluated: 2022-06-05. Review status: criteria provided, single submitter. Criteria: Invitae Variant Classification Sherloc (09022015). Collection method: clinical testing. Allele origin: germline.
Comment: This sequence change replaces leucine, which is neutral and non-polar, with methionine, which is neutral and non-polar, at codon 271 of the PEX10 protein (p.Leu271Met). The frequency data for this variant in the population databases is considered unreliable, as metrics indicate poor data quality at this position in the gnomAD database. This variant has not been reported in the literature in individuals affected with PEX10-related conditions. ClinVar contains an entry for this variant (Variation ID: 1504821). Algorithms developed to predict the effect of missense changes on protein structure and function are either unavailable or do not agree on the potential impact of this missense change (SIFT: "Tolerated"; PolyPhen-2: "Probably Damaging"; Align-GVGD: "Class C0"). In summary, the available evidence is currently insufficient to determine the role of this variant in disease. Therefore, it has been classified as a Variant of Uncertain Significance.